The following is an entry in ClinVar:

NM_032043.3(BRIP1):c.3607del (p.Glu1203fs)

Gene: BRIP1 (BRCA1 interacting DNA helicase 1; minus strand). Cytogenetic location: 17q23.2.
Variant type: Deletion.
Coding change: c.3607del on transcript NM_032043.3 (MANE Select); coding-DNA position 3607, one base deleted (G; older notation c.3607delG).
Protein change: p.Glu1203fs; shifts the reading frame from glutamic acid 1203.
Molecular consequence: frameshift variant.
Genome position (GRCh38, 1-based): chr17:61,683,439, C deleted on the plus strand (G on the coding strand, the reverse complement: BRIP1 is on the minus strand). VCF-style (leftmost placement, unchanged base first): chr17-61683438-TC-T. GRCh37 (hg19) VCF-style: chr17-59760799-TC-T.
Other names: short protein forms E1203fs.
Identifiers: ClinVar variation 1490362 (VCV001490362.9), dbSNP rs2144070111, ClinGen allele CA2573154281.

ClinVar aggregate classification (germline): Uncertain significance. Review status: criteria provided, multiple submitters, no conflicts (2 of 4 stars). 2 submissions from 2 submitters: Uncertain significance (2). Last evaluated 2022-10-25.

Conditions:
Hereditary cancer-predisposing syndrome. Also called: Neoplastic Syndromes, Hereditary; Tumor predisposition; Hereditary neoplastic syndrome; Hereditary Cancer Syndrome. Identifiers: Orphanet 140162, MedGen C0027672, MeSH D009386, MONDO:0015356.
Fanconi anemia complementation group J. Also called: BRIP1-Related Fanconi Anemia. Identifiers: Orphanet 84, MedGen C1836860, MONDO:0012187, OMIM 609054.
Familial cancer of breast. Also called: BREAST CANCER, FAMILIAL; Hereditary breast cancer; hereditary breast carcinoma. Identifiers: Orphanet 227535, MedGen C0346153, MONDO:0016419, OMIM 114480. Disease mechanism: loss of function.

Submissions (2):

Labcorp Genetics (formerly Invitae), Labcorp
Classification: Uncertain significance for Familial cancer of breast; Fanconi anemia complementation group J. Last evaluated: 2022-10-25. Review status: criteria provided, single submitter. Criteria: Invitae Variant Classification Sherloc (09022015). Collection method: clinical testing. Allele origin: germline.
Comment: This sequence change creates a premature translational stop signal (p.Glu1203Lysfs*11) in the BRIP1 gene. While this is not anticipated to result in nonsense mediated decay, it is expected to disrupt the last 47 amino acid(s) of the BRIP1 protein. This variant is not present in population databases (gnomAD no frequency). This variant has not been reported in the literature in individuals affected with BRIP1-related conditions. ClinVar contains an entry for this variant (Variation ID: 1490362). Experimental studies and prediction algorithms are not available or were not evaluated, and the functional significance of this variant is currently unknown. Algorithms developed to predict the effect of sequence changes on RNA splicing suggest that this variant may disrupt the consensus splice site. In summary, the available evidence is currently insufficient to determine the role of this variant in disease. Therefore, it has been classified as a Variant of Uncertain Significance.

Ambry Genetics
Classification: Uncertain significance for Hereditary cancer-predisposing syndrome. Last evaluated: 2021-09-20. Review status: criteria provided, single submitter. Criteria: Ambry Variant Classification Scheme 2023. Collection method: clinical testing. Allele origin: germline.
Comment: The c.3607delG variant, located in coding exon 19 of the BRIP1 gene, results from a deletion of one nucleotide at nucleotide position 3607, causing a translational frameshift with a predicted alternate stop codon (p.E1203Kfs*11). This alteration occurs at the 3' terminus of the BRIP1 gene, is not expected to trigger nonsense-mediated mRNAdecay, and only impacts the last 46 amino acids of the protein. The exact functional effect of this alteration is unknown. Since supporting evidence is limited at this time, the clinical significance of this alteration remains unclear.